The following is an entry in ClinVar:

ClinVar aggregate classification (germline): Uncertain significance (1 of 4 stars; one submission).

Conditions:
HYPERHOMOCYSTEINEMIA, THROMBOTIC, CBS-RELATED. Identifiers: MedGen C3150344, OMIM 236200.

Submission:

Labcorp Genetics (formerly Invitae), Labcorp
Classification: Uncertain significance for HYPERHOMOCYSTEINEMIA, THROMBOTIC, CBS-RELATED. Last evaluated: 2022-03-12. Review status: criteria provided, single submitter. Criteria: Invitae Variant Classification Sherloc (09022015). Collection method: clinical testing. Allele origin: germline.
Comment: In summary, the available evidence is currently insufficient to determine the role of this variant in disease. Therefore, it has been classified as a Variant of Uncertain Significance. Algorithms developed to predict the effect of missense changes on protein structure and function are either unavailable or do not agree on the potential impact of this missense change (SIFT: "Deleterious"; PolyPhen-2: "Probably Damaging"; Align-GVGD: "Class C0"). This variant has not been reported in the literature in individuals affected with CBS-related conditions. This variant is not present in population databases (gnomAD no frequency). This sequence change replaces glycine, which is neutral and non-polar, with aspartic acid, which is acidic and polar, at codon 115 of the CBS protein (p.Gly115Asp).

NM_000071.3(CBS):c.344G>A (p.Gly115Asp)

Gene: CBS (cystathionine beta-synthase; minus strand). Cytogenetic location: 21q22.3.
Variant type: single nucleotide variant.
Coding change: c.344G>A on transcript NM_000071.3 (MANE Select); coding-DNA position 344, G replaced by A.
Protein change: p.Gly115Asp; replaces glycine 115 with aspartic acid.
Molecular consequence: missense variant.
Genome position (GRCh38, 1-based): chr21:43,066,350, C>T on the plus strand (G>A on the coding strand, the complement: CBS is on the minus strand). VCF-style: chr21-43066350-C-T. GRCh37 (hg19) VCF-style: chr21-44486460-C-T.
Other names: c.344G>A, p.Gly115Asp (NM_001178008.3, NM_001178009.3, NM_001320298.2); c.29G>A, p.Gly10Asp (NM_001321072.1); short protein forms G10D, G115D.
Identifiers: ClinVar variation 1971774 (VCV001971774.5), dbSNP rs2517454273, ClinGen allele CA410601902.